The following is an entry in ClinVar:

NM_004329.3(BMPR1A):c.211G>A (p.Ala71Thr)

Gene: BMPR1A (bone morphogenetic protein receptor type 1A; plus strand). Cytogenetic location: 10q23.2.
Variant type: single nucleotide variant.
Coding change: c.211G>A on transcript NM_004329.3 (MANE Select); coding-DNA position 211, G replaced by A.
Protein change: p.Ala71Thr; replaces alanine 71 with threonine.
Molecular consequence: missense variant.
Genome position (GRCh38, 1-based): chr10:86,890,205, G>A. VCF-style: chr10-86890205-G-A. GRCh37 (hg19) VCF-style: chr10-88649962-G-A.
Other names: short protein forms A71T.
Identifiers: ClinVar variation 820753 (VCV000820753.10), dbSNP rs1589763471, ClinGen allele CA377447172.

ClinVar aggregate classification (germline): Uncertain significance. Review status: criteria provided, multiple submitters, no conflicts (2 of 4 stars). 3 submissions from 3 submitters: Uncertain significance (2). 1 of the submissions does not count toward it. Last evaluated 2024-01-04.

Conditions:
Pulmonary arterial hypertension associated with congenital heart disease. Identifiers: Orphanet 275803, MedGen C3697119, MONDO:0017152.
Pulmonary arterial hypertension associated with another disease. Identifiers: Orphanet 275791, MedGen C5679756, MONDO:0017150.
Pulmonary arterial hypertension. Identifiers: Orphanet 182090, MedGen C2973725, MeSH D000081029, MONDO:0015924, HP:0002092.
Hereditary cancer-predisposing syndrome. Also called: Hereditary Cancer Syndrome; Neoplastic Syndromes, Hereditary; Hereditary neoplastic syndrome; Tumor predisposition. Identifiers: Orphanet 140162, MedGen C0027672, MeSH D009386, MONDO:0015356.
Juvenile polyposis syndrome (JPS). Identifiers: Orphanet 2929, MedGen C0345893, MONDO:0017380, OMIM 174900.

Allele frequency attached by ClinVar (database versions not stated): gnomAD exomes below 0.00001.
gnomAD v4.1: 1 of 1,614,116 alleles (0.000062%); highest among the groups gnomAD compares: Non-Finnish European, 0.000085%; no homozygotes.

Submissions (3):

Labcorp Genetics (formerly Invitae), Labcorp
Classification: Uncertain significance for Juvenile polyposis syndrome. Last evaluated: 2024-01-04. Review status: criteria provided, single submitter. Criteria: Invitae Variant Classification Sherloc (09022015). Collection method: clinical testing. Allele origin: germline.
Comment: This sequence change replaces alanine, which is neutral and non-polar, with threonine, which is neutral and polar, at codon 71 of the BMPR1A protein (p.Ala71Thr). This variant is not present in population databases (gnomAD no frequency). This variant has not been reported in the literature in individuals affected with BMPR1A-related conditions. ClinVar contains an entry for this variant (Variation ID: 820753). Advanced modeling of protein sequence and biophysical properties (such as structural, functional, and spatial information, amino acid conservation, physicochemical variation, residue mobility, and thermodynamic stability) has been performed at Invitae for this missense variant, however the output from this modeling did not meet the statistical confidence thresholds required to predict the impact of this variant on BMPR1A protein function. In summary, the available evidence is currently insufficient to determine the role of this variant in disease. Therefore, it has been classified as a Variant of Uncertain Significance.

Ambry Genetics
Classification: Uncertain significance for Hereditary cancer-predisposing syndrome. Last evaluated: 2018-04-23. Review status: criteria provided, single submitter. Criteria: Ambry Variant Classification Scheme 2023. Collection method: clinical testing. Allele origin: germline.
Comment: The p.A71T variant (also known as c.211G>A), located in coding exon 2 of the BMPR1A gene, results from a G to A substitution at nucleotide position 211. The alanine at codon 71 is replaced by threonine, an amino acid with similar properties. This amino acid position is highly conserved in available vertebrate species. In addition, this alteration is predicted to be deleterious by in silico analysis. Since supporting evidence is limited at this time, the clinical significance of this alteration remains unclear.

Wendy Chung Laboratory, Boston Children's Hospital
No classification provided. Condition: Pulmonary arterial hypertension associated with congenital heart disease. Review status: no classification provided. Collection method: literature only. Allele origin: germline. Affected: yes. Not counted in ClinVar's aggregate classification.

Literature cited by the submitters: PubMed 31727138 (cited by Wendy Chung Laboratory, Boston Children's Hospital).